The following is an entry in ClinVar:

NM_002299.4(LCT):c.1546G>A (p.Val516Met)

Genes: LCT (lactase; minus strand), LOC126806353 (BRD4-independent group 4 enhancer GRCh37_chr2:136574960-136576159; plus strand). Cytogenetic location: 2q21.3.
Variant type: single nucleotide variant.
Coding change: c.1546G>A on transcript NM_002299.4 (MANE Select); coding-DNA position 1546, G replaced by A.
Protein change: p.Val516Met; replaces valine 516 with methionine.
Molecular consequence: missense variant.
Genome position (GRCh38, 1-based): chr2:135,817,502, C>T on the plus strand (G>A on the coding strand, the complement: LCT is on the minus strand). VCF-style: chr2-135817502-C-T. GRCh37 (hg19) VCF-style: chr2-136575072-C-T.
Other names: short protein forms V516M.
Identifiers: ClinVar variation 1915386 (VCV001915386.5), dbSNP rs2467231070, ClinGen allele CA348605927.

ClinVar aggregate classification (germline): Uncertain significance (1 of 4 stars; one submission).

Submission:

Labcorp Genetics (formerly Invitae), Labcorp
Classification: Uncertain significance. Last evaluated: 2021-12-28. Review status: criteria provided, single submitter. Criteria: Invitae Variant Classification Sherloc (09022015). Collection method: clinical testing. Allele origin: germline.
Comment: In summary, the available evidence is currently insufficient to determine the role of this variant in disease. Therefore, it has been classified as a Variant of Uncertain Significance. Algorithms developed to predict the effect of missense changes on protein structure and function are either unavailable or do not agree on the potential impact of this missense change (SIFT: "Not Available"; PolyPhen-2: "Probably Damaging"; Align-GVGD: "Not Available"). This variant has not been reported in the literature in individuals affected with LCT-related conditions. This variant is not present in population databases (gnomAD no frequency). This sequence change replaces valine, which is neutral and non-polar, with methionine, which is neutral and non-polar, at codon 516 of the LCT protein (p.Val516Met).